The following is an entry in ClinVar:

ClinVar aggregate classification (germline): Uncertain significance (1 of 4 stars; one submission).

Allele frequency attached by ClinVar (database versions not stated): TOPMed below 0.00001; gnomAD 0.00001.
gnomAD v4.1: 2 of 1,606,738 alleles (0.00012%); highest among the groups gnomAD compares: Non-Finnish European, 0.00017%; no homozygotes.

Submission:

Labcorp Genetics (formerly Invitae), Labcorp
Classification: Uncertain significance. Last evaluated: 2022-03-29. Review status: criteria provided, single submitter. Criteria: Invitae Variant Classification Sherloc (09022015). Collection method: clinical testing. Allele origin: germline.
Comment: Algorithms developed to predict the effect of missense changes on protein structure and function (SIFT, PolyPhen-2, Align-GVGD) all suggest that this variant is likely to be tolerated. In summary, the available evidence is currently insufficient to determine the role of this variant in disease. Therefore, it has been classified as a Variant of Uncertain Significance. This variant has not been reported in the literature in individuals affected with DSCAML1-related conditions. This variant is not present in population databases (gnomAD no frequency). This sequence change replaces alanine, which is neutral and non-polar, with serine, which is neutral and polar, at codon 2020 of the DSCAML1 protein (p.Ala2020Ser).

NM_020693.4(DSCAML1):c.5878G>T (p.Ala1960Ser)

Gene: DSCAML1 (DS cell adhesion molecule like 1; minus strand). Cytogenetic location: 11q23.3.
Variant type: single nucleotide variant.
Coding change: c.5878G>T on transcript NM_020693.4 (MANE Select); coding-DNA position 5878, G replaced by T.
Protein change: p.Ala1960Ser; replaces alanine 1960 with serine.
Molecular consequence: missense variant.
Genome position (GRCh38, 1-based): chr11:117,428,612, C>A on the plus strand (G>T on the coding strand, the complement: DSCAML1 is on the minus strand). VCF-style: chr11-117428612-C-A. GRCh37 (hg19) VCF-style: chr11-117299328-C-A.
Other names: short protein forms A1960S.
Identifiers: ClinVar variation 2119614 (VCV002119614.4), dbSNP rs768061825, ClinGen allele CA382751222.